The following is an entry in ClinVar:

NM_001330260.2(SCN8A):c.4935G>T (p.Met1645Ile)

Gene: SCN8A (sodium voltage-gated channel alpha subunit 8; plus strand). Cytogenetic location: 12q13.13.
Variant type: single nucleotide variant.
Coding change: c.4935G>T on transcript NM_001330260.2 (MANE Select); coding-DNA position 4935, G replaced by T.
Protein change: p.Met1645Ile; replaces methionine 1645 with isoleucine.
Molecular consequence: missense variant.
Genome position (GRCh38, 1-based): chr12:51,806,421, G>T. VCF-style: chr12-51806421-G-T. GRCh37 (hg19) VCF-style: chr12-52200205-G-T.
Other names: c.4812G>T, p.Met1604Ile (NM_001177984.3, NM_001369788.1); c.4935G>T, p.Met1645Ile (NM_014191.4); short protein forms M1645I, M1604I.
Identifiers: ClinVar variation 2828198 (VCV002828198.3), dbSNP rs2540333858, ClinGen allele CA384880584.
Genomic context (GRCh38, chr12:51,806,421, plus strand): 5'-GCGCATCTTGCGTCTGATCAAAGGCGCCAAAGGGATTCGTACCCTGCTCTTTGCCTTAAT[G>T]ATGTCCTTGCCTGCCCTGTTCAACATCGGCCTTCTGCTCTTCCTGGTCATGTTCATCTTC-3'
Protein context (NP_001317189.1, residues 1635-1655): KGIRTLLFAL[Met1645Ile]MSLPALFNIG

ClinVar aggregate classification (germline): Likely pathogenic (1 of 4 stars; one submission).

Conditions:
Early-infantile DEE. Also called: Early infantile epileptic encephalopathy; Early infantile epileptic encephalopathy with suppression bursts; Ohtahara syndrome. Identifiers: Orphanet 1934, MedGen C0393706, MONDO:0800491.

Submission:

Labcorp Genetics (formerly Invitae), Labcorp
Classification: Likely pathogenic for Early-infantile DEE. Last evaluated: 2023-01-13. Review status: criteria provided, single submitter. Criteria: Invitae Variant Classification Sherloc (09022015). Collection method: clinical testing. Allele origin: germline.
Comment: This sequence change replaces methionine, which is neutral and non-polar, with isoleucine, which is neutral and non-polar, at codon 1645 of the SCN8A protein (p.Met1645Ile). This variant is not present in population databases (gnomAD no frequency). This missense change has been observed in individual(s) with SCN8A-related conditions (PMID: 26544041). In at least one individual the variant was observed to be de novo. Advanced modeling of protein sequence and biophysical properties (such as structural, functional, and spatial information, amino acid conservation, physicochemical variation, residue mobility, and thermodynamic stability) has been performed at Invitae for this missense variant, however the output from this modeling did not meet the statistical confidence thresholds required to predict the impact of this variant on SCN8A protein function. This variant disrupts the p.Met1645 amino acid residue in SCN8A. Other variant(s) that disrupt this residue have been determined to be pathogenic (PMID: 33827760; Invitae). This suggests that this residue is clinically significant, and that variants that disrupt this residue are likely to be disease-causing. In summary, the currently available evidence indicates that the variant is pathogenic, but additional data are needed to prove that conclusively. Therefore, this variant has been classified as Likely Pathogenic.

Literature cited by the submitters: PubMed 26544041; PubMed 33827760.